The following is an entry in ClinVar:

ClinVar aggregate classification (germline): Uncertain significance. Review status: criteria provided, multiple submitters, no conflicts (2 of 4 stars). 2 submissions from 2 submitters: Uncertain significance (2). Last evaluated 2025-08-14.

Conditions:
Inborn genetic diseases. Identifiers: MedGen C0950123, MeSH D030342.
Desbuquois dysplasia 1 (DBQD1). Also called: MICROMELIC DWARFISM WITH VERTEBRAL AND METAPHYSEAL ABNORMALITIES AND ADVANCED CARPOTARSAL OSSIFICATION; DESBUQUOIS DYSPLASIA 1, KIM VARIANT. Identifiers: Orphanet 1425, MedGen C4012146, MONDO:0009629, OMIM 251450.

Allele frequency attached by ClinVar (database versions not stated): TOPMed 0.00001.
gnomAD v4.1: 21 of 1,614,052 alleles (0.0013%); highest among the groups gnomAD compares: Non-Finnish European, 0.0015%; no homozygotes.

Submissions (2):

Ambry Genetics
Classification: Uncertain significance for Inborn genetic diseases. Last evaluated: 2025-08-14. Review status: criteria provided, single submitter. Criteria: Ambry Variant Classification Scheme 2023. Collection method: clinical testing. Allele origin: germline.

Labcorp Genetics (formerly Invitae), Labcorp
Classification: Uncertain significance for Desbuquois dysplasia 1. Last evaluated: 2021-11-25. Review status: criteria provided, single submitter. Criteria: Invitae Variant Classification Sherloc (09022015). Collection method: clinical testing. Allele origin: germline.
Comment: In summary, the available evidence is currently insufficient to determine the role of this variant in disease. Therefore, it has been classified as a Variant of Uncertain Significance. Algorithms developed to predict the effect of missense changes on protein structure and function (SIFT, PolyPhen-2, Align-GVGD) all suggest that this variant is likely to be tolerated. This variant has not been reported in the literature in individuals affected with XYLT1-related conditions. This variant is present in population databases (rs757158375, gnomAD 0.007%). This sequence change replaces arginine, which is basic and polar, with glutamine, which is neutral and polar, at codon 441 of the XYLT1 protein (p.Arg441Gln).

NM_022166.4(XYLT1):c.1322G>A (p.Arg441Gln)

Gene: XYLT1 (xylosyltransferase 1; minus strand). Cytogenetic location: 16p12.3.
Variant type: single nucleotide variant.
Coding change: c.1322G>A on transcript NM_022166.4 (MANE Select); coding-DNA position 1322, G replaced by A.
Protein change: p.Arg441Gln; replaces arginine 441 with glutamine.
Molecular consequence: missense variant.
Genome position (GRCh38, 1-based): chr16:17,158,877, C>T on the plus strand (G>A on the coding strand, the complement: XYLT1 is on the minus strand). VCF-style: chr16-17158877-C-T. GRCh37 (hg19) VCF-style: chr16-17252734-C-T.
Other names: c.1322G>A (NM_022166.3); short protein forms R441Q.
Identifiers: ClinVar variation 1919308 (VCV001919308.4), dbSNP rs757158375, ClinGen allele CA278656978.
Genomic context (GRCh38, chr16:17,158,877, plus strand): 5'-TTGAGGTGCTACCTTGCATTGTCCCGGCCGTGTGACTTCAAGAAATTCATATCTCGGTAT[C>T]GGGAGAGAAACGCCACCAACTGGTCATTTGTCCTGTGGAAACAAACCAAGGGGAGAGTCA-3'
Protein context (NP_071449.1, residues 431-451): TNDQLVAFLS[Arg441Gln]YRDMNFLKSH